The following is an entry in ClinVar:

NM_032656.4(DHX37):c.2588G>A (p.Gly863Glu)

Gene: DHX37 (DEAH-box helicase 37; minus strand). Cytogenetic location: 12q24.31.
Variant type: single nucleotide variant.
Coding change: c.2588G>A on transcript NM_032656.4 (MANE Select); coding-DNA position 2588, G replaced by A.
Protein change: p.Gly863Glu; replaces glycine 863 with glutamic acid.
Molecular consequence: missense variant.
Genome position (GRCh38, 1-based): chr12:124,953,987, C>T on the plus strand (G>A on the coding strand, the complement: DHX37 is on the minus strand). VCF-style: chr12-124953987-C-T. GRCh37 (hg19) VCF-style: chr12-125438533-C-T.
Other names: short protein forms G863E.
Identifiers: ClinVar variation 3501682 (VCV003501682.3).

ClinVar aggregate classification (germline): Uncertain significance. Review status: criteria provided, multiple submitters, no conflicts (2 of 4 stars). 2 submissions from 2 submitters: Uncertain significance (2). Last evaluated 2024-10-20.

Conditions:
Inborn genetic diseases. Identifiers: MedGen C0950123, MeSH D030342.

gnomAD v4.1: 11 of 1,613,494 alleles (0.00068%); highest among the groups gnomAD compares: East Asian, 0.0045%; no homozygotes.

Submissions (2):

Ambry Genetics
Classification: Uncertain significance for Inborn genetic diseases. Last evaluated: 2024-10-20. Review status: criteria provided, single submitter. Criteria: Ambry Variant Classification Scheme 2023. Collection method: clinical testing. Allele origin: germline.

Labcorp Genetics (formerly Invitae), Labcorp
Classification: Uncertain significance. Last evaluated: 2024-07-11. Review status: criteria provided, single submitter. Criteria: Invitae Variant Classification Sherloc (09022015). Collection method: clinical testing. Allele origin: germline.
Comment: This sequence change replaces glycine, which is neutral and non-polar, with glutamic acid, which is acidic and polar, at codon 863 of the DHX37 protein (p.Gly863Glu). This variant is present in population databases (no rsID available, gnomAD 0.01%). This variant has not been reported in the literature in individuals affected with DHX37-related conditions. Advanced modeling of protein sequence and biophysical properties (such as structural, functional, and spatial information, amino acid conservation, physicochemical variation, residue mobility, and thermodynamic stability) performed at Invitae indicates that this missense variant is expected to disrupt DHX37 protein function with a positive predictive value of 80%. In summary, the available evidence is currently insufficient to determine the role of this variant in disease. Therefore, it has been classified as a Variant of Uncertain Significance.